The following is an entry in ClinVar:

NM_005850.5(SF3B4):c.600G>A (p.Pro200=)

Gene: SF3B4 (splicing factor 3b subunit 4; minus strand). Cytogenetic location: 1q21.2.
Variant type: single nucleotide variant.
Coding change: c.600G>A on transcript NM_005850.5 (MANE Select); coding-DNA position 600, G replaced by A.
Protein change: p.Pro200=; no amino-acid change (proline 200 retained).
Molecular consequence: synonymous variant.
Genome position (GRCh38, 1-based): chr1:149,926,482, C>T on the plus strand (G>A on the coding strand, the complement: SF3B4 is on the minus strand). VCF-style: chr1-149926482-C-T. GRCh37 (hg19) VCF-style: chr1-149898374-C-T.
Identifiers: ClinVar variation 3351117 (VCV003351117.1), dbSNP rs148753561.
Genomic context (GRCh38, chr1:149,926,482, plus strand): 5'-AGCAGAGGGTGGAGGAGGTGCATCTGCAAACAGCTGATGAGGGCGATCAGCCTGGGAGAG[C>T]GGGTTCTGAGCTGCCAGAAGTCGTTCGGCTGCTGAGCCATGGCGCTCACCCTTGGAGTCC-3'
Protein context (NP_005841.1, residues 190-210): AAERLLAAQN[Pro200=]LSQADRPHQL

ClinVar aggregate classification (germline): Likely benign (0 of 4 stars; one submission).

Conditions:
SF3B4-related disorder. Also called: SF3B4-related condition.

Allele frequency attached by ClinVar (database versions not stated): ExAC 0.00001; gnomAD exomes 0.00001; TOPMed 0.00002; ESP Exome Variant Server 0.00008.
gnomAD v4.1: 7 of 1,614,062 alleles (0.00043%); highest among the groups gnomAD compares: Middle Eastern, 0.016%; no homozygotes.

Submission:

PreventionGenetics, part of Exact Sciences
Classification: Likely benign for SF3B4-related condition. Last evaluated: 2024-08-07. Review status: no assertion criteria provided. Collection method: clinical testing. Allele origin: germline.
Comment: This variant is classified as likely benign based on ACMG/AMP sequence variant interpretation guidelines (Richards et al. 2015 PMID: 25741868, with internal and published modifications).